The following is an entry in ClinVar:

ClinVar aggregate classification (germline): Uncertain significance (1 of 4 stars; one submission).

Submission:

Labcorp Genetics (formerly Invitae), Labcorp
Classification: Uncertain significance. Last evaluated: 2024-03-05. Review status: criteria provided, single submitter. Criteria: Invitae Variant Classification Sherloc (09022015). Collection method: clinical testing. Allele origin: germline.
Comment: This sequence change replaces threonine, which is neutral and polar, with asparagine, which is neutral and polar, at codon 88 of the TYR protein (p.Thr88Asn). This variant is not present in population databases (gnomAD no frequency). This variant has not been reported in the literature in individuals affected with TYR-related conditions. Advanced modeling of protein sequence and biophysical properties (such as structural, functional, and spatial information, amino acid conservation, physicochemical variation, residue mobility, and thermodynamic stability) performed at Invitae indicates that this missense variant is expected to disrupt TYR protein function with a positive predictive value of 80%. In summary, the available evidence is currently insufficient to determine the role of this variant in disease. Therefore, it has been classified as a Variant of Uncertain Significance.

NM_000372.5(TYR):c.263C>A (p.Thr88Asn)

Gene: TYR (tyrosinase; plus strand). Cytogenetic location: 11q14.3.
Variant type: single nucleotide variant.
Coding change: c.263C>A on transcript NM_000372.5 (MANE Select); coding-DNA position 263, C replaced by A.
Protein change: p.Thr88Asn; replaces threonine 88 with asparagine.
Molecular consequence: missense variant.
Genome position (GRCh38, 1-based): chr11:89,178,216, C>A. VCF-style: chr11-89178216-C-A. GRCh37 (hg19) VCF-style: chr11-88911384-C-A.
Other names: short protein forms T88N.
Identifiers: ClinVar variation 3698624 (VCV003698624.2).